The following is an entry in ClinVar:

NM_001271.4(CHD2):c.617A>G (p.Asp206Gly)

Gene: CHD2 (chromodomain helicase DNA binding protein 2; plus strand). Cytogenetic location: 15q26.1.
Variant type: single nucleotide variant.
Coding change: c.617A>G on transcript NM_001271.4 (MANE Select); coding-DNA position 617, A replaced by G.
Protein change: p.Asp206Gly; replaces aspartic acid 206 with glycine.
Molecular consequence: missense variant.
Genome position (GRCh38, 1-based): chr15:92,939,643, A>G. VCF-style: chr15-92939643-A-G. GRCh37 (hg19) VCF-style: chr15-93482873-A-G.
Other names: c.617A>G, p.Asp206Gly (NM_001042572.3); short protein forms D206G.
Identifiers: ClinVar variation 1463264 (VCV001463264.8), dbSNP rs2141778416, ClinGen allele CA393900110.

ClinVar aggregate classification (germline): Uncertain significance (1 of 4 stars; one submission).

Conditions:
Developmental and epileptic encephalopathy 94 (DEE94). Also called: Epileptic encephalopathy, childhood-onset; CHD2-Related Neurodevelopmental Disorders. Identifiers: Orphanet 1942, Orphanet 2382, MedGen C3809278, MONDO:0014150, OMIM 615369.

Allele frequency attached by ClinVar (database versions not stated): gnomAD exomes below 0.00001.
gnomAD v4.1: 1 of 1,614,170 alleles (0.000062%); highest among the groups gnomAD compares: Non-Finnish European, 0.000085%; no homozygotes.

Submission:

Labcorp Genetics (formerly Invitae), Labcorp
Classification: Uncertain significance for Developmental and epileptic encephalopathy 94. Last evaluated: 2022-02-02. Review status: criteria provided, single submitter. Criteria: Invitae Variant Classification Sherloc (09022015). Collection method: clinical testing. Allele origin: germline.
Comment: In summary, the available evidence is currently insufficient to determine the role of this variant in disease. Therefore, it has been classified as a Variant of Uncertain Significance. Algorithms developed to predict the effect of sequence changes on RNA splicing suggest that this variant may create or strengthen a splice site. Advanced modeling of protein sequence and biophysical properties (such as structural, functional, and spatial information, amino acid conservation, physicochemical variation, residue mobility, and thermodynamic stability) performed at Invitae indicates that this missense variant is not expected to disrupt CHD2 protein function. This variant has not been reported in the literature in individuals affected with CHD2-related conditions. This variant is not present in population databases (gnomAD no frequency). This sequence change replaces aspartic acid, which is acidic and polar, with glycine, which is neutral and non-polar, at codon 206 of the CHD2 protein (p.Asp206Gly).